The following is an entry in ClinVar:

NM_000155.4(GALT):c.717G>A (p.Trp239Ter)

Gene: GALT (galactose-1-phosphate uridylyltransferase; plus strand). Cytogenetic location: 9p13.3.
Variant type: single nucleotide variant.
Coding change: c.717G>A on transcript NM_000155.4 (MANE Select); coding-DNA position 717, G replaced by A.
Protein change: p.Trp239Ter; replaces tryptophan 239 with a stop codon.
Molecular consequence: nonsense.
Genome position (GRCh38, 1-based): chr9:34,648,791, G>A. VCF-style: chr9-34648791-G-A. GRCh37 (hg19) VCF-style: chr9-34648788-G-A.
Other names: c.390G>A, p.Trp130Ter (NM_001258332.2); short protein forms W130*, W239*.
Identifiers: ClinVar variation 4817642 (VCV004817642.1).

ClinVar aggregate classification (germline): Likely pathogenic (1 of 4 stars; one submission).

Conditions:
Galactosemia. Also called: Galactose intolerance. Identifiers: Orphanet 352, MedGen C0016952, MONDO:0018116, HP:0004919. Disease mechanism: loss of function.

Submission:

Natera, Inc.
Classification: Likely pathogenic for Galactosemia. Last evaluated: 2025-05-05. Review status: criteria provided, single submitter. Criteria: Natera Variant Classification Schema (03/2026). Collection method: clinical testing. Allele origin: germline.
Comment: The c.717G>A variant in GALT is a nonsense variant predicted to introduce a stop codon at amino acid 239. This variant is expected to result in nonsense mediated decay, truncation, or a dysfunctional protein product. This variant is rare in the general population with a frequency below the threshold expected for the associated phenotype(s). Given the available evidence, this variant is classified as Likely Pathogenic.